The following is an entry in ClinVar:

NM_001042492.3(NF1):c.3955T>G (p.Phe1319Val)

Gene: NF1 (neurofibromin 1; plus strand). Cytogenetic location: 17q11.2.
Variant type: single nucleotide variant.
Coding change: c.3955T>G on transcript NM_001042492.3 (MANE Select); coding-DNA position 3955, T replaced by G.
Protein change: p.Phe1319Val; replaces phenylalanine 1319 with valine.
Molecular consequence: missense variant.
Genome position (GRCh38, 1-based): chr17:31,236,002, T>G. VCF-style: chr17-31236002-T-G. GRCh37 (hg19) VCF-style: chr17-29563020-T-G.
Other names: c.3955T>G, p.Phe1319Val (NM_000267.4); short protein forms F1319V.
Identifiers: ClinVar variation 2761702 (VCV002761702.3), dbSNP rs755665232, ClinGen allele CA398993282.
Genomic context (GRCh38, chr17:31,236,002, plus strand): 5'-AAACTCCTGGATCCTTTATTACGAATTGTGATCACATCCTCTGATTGGCAACATGTTAGC[T>G]TTGAAGTGGATCCTACCAGGTTTGTCATCTTTTCACATAGAACCGCTGTTTTTTGTTTTT-3'
Protein context (NP_001035957.1, residues 1309-1329): ITSSDWQHVS[Phe1319Val]EVDPTRLEPS

ClinVar aggregate classification (germline): Uncertain significance (1 of 4 stars; one submission).

Conditions:
Neurofibromatosis, type 1 (NF1). Also called: VON RECKLINGHAUSEN DISEASE; NEUROFIBROMATOSIS, TYPE I, SOMATIC; Peripheral type neurofibromatosis; Neurofibromatosis, type I. Identifiers: Orphanet 636, MedGen C0027831, MONDO:0018975, OMIM 162200. Disease mechanism: loss of function.

Submission:

Labcorp Genetics (formerly Invitae), Labcorp
Classification: Uncertain significance for Neurofibromatosis, type 1. Last evaluated: 2023-09-18. Review status: criteria provided, single submitter. Criteria: Invitae Variant Classification Sherloc (09022015). Collection method: clinical testing. Allele origin: germline.
Comment: This variant is not present in population databases (gnomAD no frequency). This sequence change replaces phenylalanine, which is neutral and non-polar, with valine, which is neutral and non-polar, at codon 1319 of the NF1 protein (p.Phe1319Val). This variant has not been reported in the literature in individuals affected with NF1-related conditions. In summary, the available evidence is currently insufficient to determine the role of this variant in disease. Therefore, it has been classified as a Variant of Uncertain Significance. Advanced modeling of protein sequence and biophysical properties (such as structural, functional, and spatial information, amino acid conservation, physicochemical variation, residue mobility, and thermodynamic stability) performed at Invitae indicates that this missense variant is expected to disrupt NF1 protein function.